The following is an entry in ClinVar:

NM_002156.5(HSPD1):c.1439C>T (p.Ala480Val)

Gene: HSPD1 (heat shock protein family D (Hsp60) member 1; minus strand). Cytogenetic location: 2q33.1.
Variant type: single nucleotide variant.
Coding change: c.1439C>T on transcript NM_002156.5 (MANE Select); coding-DNA position 1439, C replaced by T.
Protein change: p.Ala480Val; replaces alanine 480 with valine.
Molecular consequence: missense variant.
Genome position (GRCh38, 1-based): chr2:197,487,988, G>A on the plus strand (C>T on the coding strand, the complement: HSPD1 is on the minus strand). VCF-style: chr2-197487988-G-A. GRCh37 (hg19) VCF-style: chr2-198352712-G-A.
Other names: p.Ala480Val; c.1439C>T, p.Ala480Val (NM_199440.2); c.1439C>T (NM_002156.4); short protein forms A480V.
Identifiers: ClinVar variation 3379406 (VCV003379406.4).
Genomic context (GRCh38, chr2:197,487,988, plus strand): 5'-TCTGAGGAACTTTGCATAATTTTCTCAACTATCAAAGATCCTTCAACACCTGCATTCTTA[G>A]CAATGGTCATTGCTGGAATTTTGAGTGTTCTTTTAATAATTTCTATACCTACAGAGAAAT-3'
Protein context (NP_002147.2, residues 470-490): RTLKIPAMTI[Ala480Val]KNAGVEGSLI

ClinVar aggregate classification (germline): Uncertain significance. Review status: criteria provided, multiple submitters, no conflicts (2 of 4 stars). 3 submissions from 3 submitters: Uncertain significance (3). Last evaluated 2026-04-01.

Submissions (3):

CeGaT Center for Human Genetics Tuebingen
Classification: Uncertain significance. Last evaluated: 2026-04-01. Review status: criteria provided, single submitter. Criteria: CeGaT Center For Human Genetics Tuebingen Variant Classification Criteria Version 2. Collection method: clinical testing. Allele origin: germline. Affected: yes. Observed: 1 variant allele.
Comment: HSPD1: PM2

GeneDx
Classification: Uncertain significance. Last evaluated: 2024-07-31. Review status: criteria provided, single submitter. Criteria: GeneDx Variant Classification Process June 2021. Collection method: clinical testing. Allele origin: germline. Affected: yes.
Comment: Not observed at significant frequency in large population cohorts (gnomAD); In silico analysis indicates that this missense variant does not alter protein structure/function; Has not been previously published as pathogenic or benign to our knowledge

Mayo Clinic Laboratories, Mayo Clinic
Classification: Uncertain significance. Last evaluated: 2024-01-26. Review status: criteria provided, single submitter. Criteria: ACMG Guidelines, 2015. Collection method: clinical testing. Allele origin: germline. Observed: 1 variant allele.
Comment: PP3, PM2_moderate